The following is an entry in ClinVar:

NM_005585.5(SMAD6):c.817+3G>C

Gene: SMAD6 (SMAD family member 6; plus strand). Cytogenetic location: 15q22.31.
Variant type: single nucleotide variant.
Coding change: c.817+3G>C on transcript NM_005585.5 (MANE Select); 3 bases into the intron after coding-DNA position 817, G replaced by C.
Molecular consequence: intron variant.
Genome position (GRCh38, 1-based): chr15:66,704,078, G>C. VCF-style: chr15-66704078-G-C. GRCh37 (hg19) VCF-style: chr15-66996416-G-C.
Identifiers: ClinVar variation 4992683 (VCV004992683.1).

ClinVar aggregate classification (germline): Uncertain significance (1 of 4 stars; one submission).

Conditions:
SMAD6-related disease. Also called: SMAD6-related condition; SMAD6-related disorder. Identifiers: MedGen CN381596, MONDO:0700324.

gnomAD v4.1: 1 of 1,476,432 alleles (0.000068%); highest among the groups gnomAD compares: Non-Finnish European, 0.000089%; no homozygotes.

Submission:

PreventionGenetics, part of Exact Sciences
Classification: Uncertain significance for SMAD6-related condition. Last evaluated: 2025-09-29. Review status: criteria provided, single submitter. Criteria: ACMG Guidelines, 2015. Collection method: clinical testing. Allele origin: germline.
Comment: The SMAD6 c.817+3G>C variant is predicted to interfere with splicing. This variant is predicted to alter splicing based on available splicing prediction programs (SpliceAI, Jaganathan et al. 2019. PubMed ID: 30661751). To our knowledge, this variant has not been reported in the literature or in a large population database (gnomAD), indicating this variant is rare. At this time, the clinical significance of this variant is uncertain due to the absence of conclusive functional and genetic evidence.